The following is an entry in ClinVar:

NM_138713.4(NFAT5):c.61dup (p.Leu21fs)

Genes: NFAT5 (nuclear factor of activated T cells 5; plus strand), LOC130059315 (ATAC-STARR-seq lymphoblastoid silent region 7663; plus strand). Cytogenetic location: 16q22.1.
Variant type: Duplication.
Coding change: c.61dup on transcript NM_138713.4 (MANE Select); coding-DNA position 61, one base duplicated (C; older notation c.61dupC).
Protein change: p.Leu21fs; shifts the reading frame from leucine 21.
Molecular consequence: frameshift variant. On other transcripts: 5 prime UTR variant (4).
Genome position (GRCh38, 1-based): chr16:69,566,362, C duplicated; the last of 3 consecutive C bases (chr16:69,566,360-69,566,362); duplicating any one gives the same sequence. VCF-style (leftmost placement, unchanged base first): chr16-69566359-T-TC. GRCh37 (hg19) VCF-style: chr16-69600262-T-TC.
Other names: c.61dup, p.Leu21fs (NM_001113178.3, NM_006599.4); c.-139dup (NM_001367709.1); c.-284dup (NM_138714.4); c.-230dup (NM_173214.3, NM_173215.3); short protein forms L21fs.
Identifiers: ClinVar variation 4880102 (VCV004880102.1).
Genomic context (GRCh38, chr16:69,566,359, plus strand): 5'-GCGATGCCCTCGGACTTCATCTCATTGCTCAGCGCGGACCTAGACCTGGAATCGCCCAAG[T>TC]CCCTCTACTCGCGAGGTGAGTCAGGCTGTGGGGGGTGGGGCGTGGGGGCGGGGAGACAGG-3'

ClinVar aggregate classification (germline): Uncertain significance (1 of 4 stars; one submission).

Conditions:
Primary ciliary dyskinesia. Also called: Ciliary dyskinesia. Identifiers: Orphanet 244, MedGen C0008780, MONDO:0016575, HP:0012265.

Submission:

Department of Human Genetics, Hannover Medical School
Classification: Uncertain significance for Primary Ciliary Dyskinesia. Last evaluated: 2026-04-01. Review status: criteria provided, single submitter. Criteria: ACMG Guidelines, 2015. Collection method: research. Allele origin: germline. Affected: no.
Comment: Classification performed by HerediClassify using the following criteria:['PM2_supporting: Variant occures does not occur as homozygous in gnomAD.', 'PVS1_protein_strong: Transcript ENST00000349945 is not predicted to undergo NMD. Protein length change of 0.9767591994835377 observed.']